The following is an entry in ClinVar:

ClinVar aggregate classification (germline): Uncertain significance (1 of 4 stars; one submission).

Conditions:
Hereditary cancer-predisposing syndrome. Also called: Tumor predisposition; Hereditary neoplastic syndrome; Hereditary Cancer Syndrome; Neoplastic Syndromes, Hereditary. Identifiers: Orphanet 140162, MedGen C0027672, MeSH D009386, MONDO:0015356.

Submission:

Ambry Genetics
Classification: Uncertain significance for Hereditary cancer-predisposing syndrome. Last evaluated: 2025-05-07. Review status: criteria provided, single submitter. Criteria: Ambry Variant Classification Scheme 2023. Collection method: clinical testing. Allele origin: germline.
Comment: The p.A14P variant (also known as c.40G>C), located in coding exon 1 of the SUFU gene, results from a G to C substitution at nucleotide position 40. The alanine at codon 14 is replaced by proline, an amino acid with highly similar properties. This amino acid position is well conserved in available vertebrate species. In silico splice site analysis predicts that this alteration will not have any significant effect on splicing. In addition, the in silico prediction for this alteration is inconclusive. Based on the available evidence, the clinical significance of this variant remains unclear.

NM_016169.4(SUFU):c.40G>C (p.Ala14Pro)

Genes: SUFU (SUFU negative regulator of hedgehog signaling; plus strand), LOC130004614 (ATAC-STARR-seq lymphoblastoid silent region 2764; plus strand). Cytogenetic location: 10q24.32.
Variant type: single nucleotide variant.
Coding change: c.40G>C on transcript NM_016169.4 (MANE Select); coding-DNA position 40, G replaced by C.
Protein change: p.Ala14Pro; replaces alanine 14 with proline.
Molecular consequence: missense variant.
Genome position (GRCh38, 1-based): chr10:102,504,192, G>C. VCF-style: chr10-102504192-G-C. GRCh37 (hg19) VCF-style: chr10-104263949-G-C.
Other names: c.40G>C, p.Ala14Pro (NM_001178133.2); short protein forms A14P.
Identifiers: ClinVar variation 3963845 (VCV003963845.1).